The following is an entry in ClinVar:

ClinVar aggregate classification (germline): Pathogenic (1 of 4 stars; one submission).

Conditions:
Combined oxidative phosphorylation defect type 14. Also called: Combined oxidative phosphorylation deficiency 14. Identifiers: Orphanet 319519, MedGen C4755312, MONDO:0013986, OMIM 614946.

Submission:

Labcorp Genetics (formerly Invitae), Labcorp
Classification: Pathogenic for Combined oxidative phosphorylation defect type 14. Last evaluated: 2022-10-14. Review status: criteria provided, single submitter. Criteria: Invitae Variant Classification Sherloc (09022015). Collection method: clinical testing. Allele origin: germline.
Comment: This variant is a gross deletion of the genomic region encompassing exon(s) 2 of the FARS2 gene, which includes the initiator codon. This deletion extends beyond the assayed region for this gene and therefore may encompass additional genes. It is expected to result in an absent or disrupted protein product. Loss-of-function variants in FARS2 are known to be pathogenic (PMID: 22833457). A similar copy number variant has been observed in individual(s) with early infantile encephalopathy (PMID: 27549011). For these reasons, this variant has been classified as Pathogenic.

Literature cited by the submitters: PubMed 22833457; PubMed 27549011.

NC_000006.11:g.(?_5368804)_(5369435_?)del

Gene: FARS2 (phenylalanyl-tRNA synthetase 2, mitochondrial; plus strand). Cytogenetic location: 6p25.1.
Variant type: Deletion.
Identifiers: ClinVar variation 2425613 (VCV002425613.3).